The following is an entry in ClinVar:

NM_031924.8(RSPH3):c.1A>G (p.Met1Val)

Gene: RSPH3 (radial spoke head 3; minus strand). Cytogenetic location: 6q25.3.
Variant type: single nucleotide variant.
Coding change: c.1A>G on transcript NM_031924.8 (MANE Select); coding-DNA position 1, A replaced by G.
Protein change: p.Met1Val; changes the start codon (methionine 1).
Molecular consequence: missense variant, initiator codon variant. On other transcripts: non-coding transcript variant (1).
Genome position (GRCh38, 1-based): chr6:158,999,550, T>C on the plus strand (A>G on the coding strand, the complement: RSPH3 is on the minus strand). VCF-style: chr6-158999550-T-C. GRCh37 (hg19) VCF-style: chr6-159420582-T-C.
Other names: c.427A>G, p.Met143Val (NM_001346418.1); short protein forms M1V, M143V.
Identifiers: ClinVar variation 4719571 (VCV004719571.1).

ClinVar aggregate classification (germline): Uncertain significance (1 of 4 stars; one submission).

Conditions:
Primary ciliary dyskinesia 32. Also called: CILIARY DYSKINESIA, PRIMARY, 32, WITHOUT SITUS INVERSUS. Identifiers: Orphanet 244, MedGen C4225311, MONDO:0014657, OMIM 616481.

Submission:

Labcorp Genetics (formerly Invitae), Labcorp
Classification: Uncertain significance for Primary ciliary dyskinesia 32. Last evaluated: 2025-10-21. Review status: criteria provided, single submitter. Criteria: Invitae Variant Classification Sherloc (09022015). Collection method: clinical testing. Allele origin: germline.
Comment: This sequence change replaces methionine, which is neutral and non-polar, with valine, which is neutral and non-polar, at codon 143 of the RSPH3 protein (p.Met143Val). This variant is not present in population databases (gnomAD no frequency). This variant has not been reported in the literature in individuals affected with RSPH3-related conditions. An algorithm developed to predict the effect of missense changes on protein structure and function outputs the following: PolyPhen-2: "Benign". The valine amino acid residue is found in multiple mammalian species, which suggests that this missense change does not adversely affect protein function. In summary, the available evidence is currently insufficient to determine the role of this variant in disease. Therefore, it has been classified as a Variant of Uncertain Significance.